The following is an entry in ClinVar:

NM_005045.4(RELN):c.6031C>T (p.Arg2011Cys)

Gene: RELN (reelin; minus strand). Cytogenetic location: 7q22.1.
Variant type: single nucleotide variant.
Coding change: c.6031C>T on transcript NM_005045.4 (MANE Select); coding-DNA position 6031, C replaced by T.
Protein change: p.Arg2011Cys; replaces arginine 2011 with cysteine.
Molecular consequence: missense variant.
Genome position (GRCh38, 1-based): chr7:103,553,502, G>A on the plus strand (C>T on the coding strand, the complement: RELN is on the minus strand). VCF-style: chr7-103553502-G-A. GRCh37 (hg19) VCF-style: chr7-103193949-G-A.
Other names: c.6031C>T, p.Arg2011Cys (NM_173054.3); short protein forms R2011C.
Identifiers: ClinVar variation 475975 (VCV000475975.12), dbSNP rs374628146, ClinGen allele CA4421049.

ClinVar aggregate classification (germline): Uncertain significance. Review status: criteria provided, multiple submitters, no conflicts (2 of 4 stars). 4 submissions from 4 submitters: Uncertain significance (4). Last evaluated 2026-04-14.

Conditions:
Familial temporal lobe epilepsy 7. Identifiers: Orphanet 101046, MedGen C4225327, MONDO:0014639, OMIM 616436.
Norman-Roberts syndrome (LIS2). Also called: Lissencephaly 2 (Norman-Roberts type). Identifiers: Orphanet 89844, MedGen C0796089, MONDO:0009760, OMIM 257320.
RELN-related disorder. Also called: RELN-related condition.
Inborn genetic diseases. Identifiers: MedGen C0950123, MeSH D030342.

Allele frequency attached by ClinVar (database versions not stated): ExAC 0.00002; TOPMed 0.00002; gnomAD exomes 0.00004; gnomAD 0.00006; ESP Exome Variant Server 0.00008.
gnomAD v4.1: 26 of 1,613,908 alleles (0.0016%); highest among the groups gnomAD compares: Admixed American, 0.005%; no homozygotes.

Submissions (4):

PreventionGenetics, part of Exact Sciences
Classification: Uncertain significance for RELN-related condition. Last evaluated: 2026-04-14. Review status: criteria provided, single submitter. Criteria: ACMG Guidelines, 2015. Collection method: clinical testing. Allele origin: germline.
Comment: The RELN c.6031C>T variant is predicted to result in the amino acid substitution p.Arg2011Cys. To our knowledge, this variant has not been reported in the literature. This variant is reported in 0.0054% of alleles in individuals of European (Non-Finnish) descent in gnomAD. At this time, the clinical significance of this variant is uncertain due to the absence of conclusive functional and genetic evidence.

Labcorp Genetics (formerly Invitae), Labcorp
Classification: Uncertain significance for Familial temporal lobe epilepsy 7; Norman-Roberts syndrome. Last evaluated: 2024-05-15. Review status: criteria provided, single submitter. Criteria: Invitae Variant Classification Sherloc (09022015). Collection method: clinical testing. Allele origin: germline.
Comment: This sequence change replaces arginine, which is basic and polar, with cysteine, which is neutral and slightly polar, at codon 2011 of the RELN protein (p.Arg2011Cys). This variant is present in population databases (rs374628146, gnomAD 0.006%). This variant has not been reported in the literature in individuals affected with RELN-related conditions. ClinVar contains an entry for this variant (Variation ID: 475975). Advanced modeling of protein sequence and biophysical properties (such as structural, functional, and spatial information, amino acid conservation, physicochemical variation, residue mobility, and thermodynamic stability) performed at Invitae indicates that this missense variant is not expected to disrupt RELN protein function with a negative predictive value of 80%. In summary, the available evidence is currently insufficient to determine the role of this variant in disease. Therefore, it has been classified as a Variant of Uncertain Significance.

Ambry Genetics
Classification: Uncertain significance for Inborn genetic diseases. Last evaluated: 2022-03-15. Review status: criteria provided, single submitter. Criteria: Ambry Variant Classification Scheme 2023. Collection method: clinical testing. Allele origin: germline.
Comment: Unlikely to be causative of RELN-related lateral temporal epilepsy (AD) Based on insufficient or conflicting evidence, the clinical significance of this alteration remains unclear.

GeneDx
Classification: Uncertain significance. Last evaluated: 2020-07-06. Review status: criteria provided, single submitter. Criteria: GeneDx Variant Classification Process June 2021. Collection method: clinical testing. Allele origin: germline. Affected: yes.
Comment: Not observed at a significant frequency in large population cohorts (Lek et al., 2016); In silico analysis supports that this missense variant has a deleterious effect on protein structure/function; Has not been previously published as pathogenic or benign to our knowledge